The following is an entry in ClinVar:

NM_006371.5(CRTAP):c.*1858T>A

Gene: CRTAP (cartilage associated protein; plus strand). Cytogenetic location: 3p22.3.
Variant type: single nucleotide variant.
Coding change: c.*1858T>A on transcript NM_006371.5 (MANE Select); 1858 bases downstream of the stop codon, T replaced by A.
Molecular consequence: 3 prime UTR variant.
Genome position (GRCh38, 1-based): chr3:33,144,306, T>A. VCF-style: chr3-33144306-T-A. GRCh37 (hg19) VCF-style: chr3-33185798-T-A.
Other names: c.*1858T>A (NM_001393363.1, NM_001393364.1, NM_001393365.1).
Identifiers: ClinVar variation 344843 (VCV000344843.6), dbSNP rs4678476, ClinGen allele CA10618134.

ClinVar aggregate classification (germline): Benign. Review status: criteria provided, multiple submitters, no conflicts (2 of 4 stars). 2 submissions from 2 submitters: Benign (2). Last evaluated 2018-01-13.

Conditions:
Osteogenesis imperfecta type 7 (OI7). Also called: OI type 7; OI type VII; OSTEOGENESIS IMPERFECTA, TYPE IIB; Osteogenesis imperfecta type 2B; OI type 2B; Osteogenesis imperfecta, perinatal lethal autosomal recessive. Identifiers: MedGen C1853162, MONDO:0012536, OMIM 610682.

Allele frequency attached by ClinVar (database versions not stated): 1000 Genomes Project 30x 0.89179; 1000 Genomes Project 0.89597; TOPMed 0.91844; gnomAD 0.93106 and 0.93165; gnomAD exomes 0.98148.
gnomAD v4.1: 141,985 of 152,326 alleles (93%); highest among the groups gnomAD compares: Non-Finnish European, 99%; 66,620 homozygotes.

Submissions (2):

Illumina Laboratory Services, Illumina
Classification: Benign for Osteogenesis imperfecta type 7. Last evaluated: 2018-01-13. Review status: criteria provided, single submitter. Criteria: ICSL Variant Classification Criteria 13 December 2019. Collection method: clinical testing. Allele origin: germline.
Comment: This variant was observed in the ICSL laboratory as part of a predisposition screen in an ostensibly healthy population. It had not been previously curated by ICSL or reported in the Human Gene Mutation Database (HGMD: prior to June 1st, 2018), and was therefore a candidate for classification through an automated scoring system. Utilizing variant allele frequency, disease prevalence and penetrance estimates, and inheritance mode, an automated score was calculated to assess if this variant is too frequent to cause the disease. Based on the score and internal cut-off values, a variant classified as benign is not then subjected to further curation. The score for this variant resulted in a classification of benign for this disease.

Breakthrough Genomics
Classification: Benign. Review status: criteria provided, single submitter. Criteria: ACMG Guidelines, 2015. Collection method: not provided. Allele origin: germline. Inheritance: Autosomal recessive inheritance. Affected: yes.